The following is an entry in ClinVar:

ClinVar aggregate classification (germline): Uncertain significance. Review status: criteria provided, multiple submitters, no conflicts (2 of 4 stars). 2 submissions from 2 submitters: Uncertain significance (2). Last evaluated 2026-03-05.

Conditions:
Autosomal recessive limb-girdle muscular dystrophy type 2A (LGMDR1). Also called: Calpainopathy; Muscular dystrophy, limb-girdle, type 2A, Amish; LEYDEN-MOEBIUS MUSCULAR DYSTROPHY; MUSCULAR DYSTROPHY, PELVOFEMORAL; Limb-girdle muscular dystrophy, type 2A. Identifiers: Orphanet 267, MedGen C1869123, MONDO:0009675, OMIM 253600. Disease mechanism: loss of function.

gnomAD v4.1: 1 of 1,614,098 alleles (0.000062%); highest among the groups gnomAD compares: African/African-American, 0.0013%; no homozygotes.

Submissions (2):

Mendelics
Classification: Uncertain significance for Autosomal recessive limb-girdle muscular dystrophy type 2A. Last evaluated: 2026-03-05. Review status: criteria provided, single submitter. Criteria: ACMG Guidelines, 2015. Collection method: clinical testing. Allele origin: unknown.
Comment: The available evidence is insufficient to conclusively determine the role of this variant. Therefore, it is classified as a Variant of Uncertain Significance.

Eurofins Ntd Llc (ga)
Classification: Uncertain significance. Last evaluated: 2015-08-20. Review status: criteria provided, single submitter. Criteria: EGL Classification Definitions 2015. Collection method: clinical testing. Allele origin: germline. Observed: 1 variant allele, 1 heterozygote.

NM_000070.3(CAPN3):c.1588T>C (p.Ser530Pro)

Gene: CAPN3 (calpain 3; plus strand). Cytogenetic location: 15q15.1.
Variant type: single nucleotide variant.
Coding change: c.1588T>C on transcript NM_000070.3 (MANE Select); coding-DNA position 1588, T replaced by C.
Protein change: p.Ser530Pro; replaces serine 530 with proline.
Molecular consequence: missense variant.
Genome position (GRCh38, 1-based): chr15:42,402,845, T>C. VCF-style: chr15-42402845-T-C. GRCh37 (hg19) VCF-style: chr15-42695043-T-C.
Other names: c.1588T>C, p.Ser530Pro (NM_024344.2); c.1444T>C, p.Ser482Pro (NM_173087.2); c.52T>C, p.Ser18Pro (NM_173088.2); short protein forms S530P, S18P, S482P.
Identifiers: ClinVar variation 282637 (VCV000282637.6), dbSNP rs757016558, ClinGen allele CA10604250.